The following is an entry in ClinVar:

NM_017514.5(PLXNA3):c.1643A>G (p.Asn548Ser)

Gene: PLXNA3 (plexin A3; plus strand). Cytogenetic location: Xq28.
Variant type: single nucleotide variant.
Coding change: c.1643A>G on transcript NM_017514.5 (MANE Select); coding-DNA position 1643, A replaced by G.
Protein change: p.Asn548Ser; replaces asparagine 548 with serine.
Molecular consequence: missense variant.
Genome position (GRCh38, 1-based): chrX:154,464,046, A>G. VCF-style: chrX-154464046-A-G. GRCh37 (hg19) VCF-style: chrX-153692389-A-G.
Other names: short protein forms N548S.
Identifiers: ClinVar variation 4993250 (VCV004993250.1).

ClinVar aggregate classification (germline): Uncertain significance (1 of 4 stars; one submission).

Conditions:
PLXNA3-related disorder. Also called: PLXNA3-related condition.

gnomAD v4.1: 9 of 1,210,381 alleles (0.00074%); highest among the groups gnomAD compares: South Asian, 0.0018%; no homozygotes.

Submission:

PreventionGenetics, part of Exact Sciences
Classification: Uncertain significance for PLXNA3-related condition. Last evaluated: 2026-04-23. Review status: criteria provided, single submitter. Criteria: ACMG Guidelines, 2015. Collection method: clinical testing. Allele origin: germline.
Comment: The PLXNA3 c.1643A>G variant is predicted to result in the amino acid substitution p.Asn548Ser. To our knowledge, this variant has not been reported in the literature. This variant is reported in 0.0073% of alleles in individuals of East Asian descent in gnomAD, including a hemizygous individual. Although we suspect that this variant may be benign, at this time, the clinical significance of this variant is uncertain due to the absence of conclusive functional and genetic evidence.